The following is an entry in ClinVar:

NM_000059.4(BRCA2):c.4964dup (p.Tyr1655Ter)

Gene: BRCA2 (BRCA2 DNA repair associated; plus strand). Cytogenetic location: 13q13.1.
Variant type: Duplication.
Coding change: c.4964dup on transcript NM_000059.4 (MANE Select); coding-DNA position 4964, one base duplicated (A; older notation c.4964dupA).
Protein change: p.Tyr1655Ter; replaces tyrosine 1655 with a stop codon.
Molecular consequence: nonsense.
Genome position (GRCh38, 1-based): chr13:32,339,319, A duplicated. VCF-style (leftmost placement, unchanged base first): chr13-32339318-T-TA. GRCh37 (hg19) VCF-style: chr13-32913455-T-TA.
Other names: 5192insA; c.4964dupA (NM_000059.3); short protein forms Y1655*.
Identifiers: ClinVar variation 91830 (VCV000091830.27), dbSNP rs398122789, ClinGen allele CA021064.

ClinVar aggregate classification (germline): Pathogenic. Review status: reviewed by expert panel (3 of 4 stars). 10 submissions from 10 submitters: Pathogenic (1). 9 of the submissions do not count toward it. Last evaluated 2016-09-08.

Conditions:
Hereditary cancer-predisposing syndrome. Also called: Neoplastic Syndromes, Hereditary; Hereditary Cancer Syndrome; Tumor predisposition; Hereditary neoplastic syndrome. Identifiers: Orphanet 140162, MedGen C0027672, MeSH D009386, MONDO:0015356.
Hereditary breast ovarian cancer syndrome. Also called: BRCA1- and BRCA2-Associated Hereditary Breast and Ovarian Cancer; Hereditary breast and ovarian cancer syndrome; Hereditary breast and ovarian cancer syndrome (HBOC); Hereditary breast and/or ovarian cancer syndrome; Hereditary breast and ovarian cancer; Breast and ovarian cancer. Identifiers: Orphanet 145, MedGen C0677776, MeSH D061325, MONDO:0003582. Disease mechanism: loss of function.
Breast-ovarian cancer, familial, susceptibility to, 2 (BROVCA2). Also called: BRCA2 Hereditary Breast and Ovarian Cancer. Identifiers: Orphanet 145, MedGen C2675520, MONDO:0012933, OMIM 612555. Disease mechanism: loss of function.
Familial cancer of breast. Also called: hereditary breast carcinoma; Hereditary breast cancer; BREAST CANCER, FAMILIAL. Identifiers: Orphanet 227535, MedGen C0346153, MONDO:0016419, OMIM 114480. Disease mechanism: loss of function.

Allele frequency attached by ClinVar (database versions not stated): gnomAD exomes below 0.00001; gnomAD 0.00001.

Submissions (10):

Evidence-based Network for the Interpretation of Germline Mutant Alleles (ENIGMA)
Classification: Pathogenic for Breast-ovarian cancer, familial, susceptibility to, 2. Last evaluated: 2016-09-08. Review status: reviewed by expert panel. Criteria: ENIGMA BRCA1/2 Classification Criteria (2015). Collection method: curation. Allele origin: germline.
Comment: Variant allele predicted to encode a truncated non-functional protein.

Dasa
Classification: Pathogenic for Breast-ovarian cancer, familial, susceptibility to, 2. Last evaluated: 2025-05-28. Review status: criteria provided, single submitter. Criteria: DASA Assertion Criteria. Collection method: clinical testing. Allele origin: germline. Not counted in ClinVar's aggregate classification.
Comment: NM_000059.4(BRCA2):c.4964dup (p.Tyr1655*) introduces a premature termination codon predicted to result in loss of normal protein function. Loss-of-function is an established mechanism of disease for this gene. The affected residue or protein region has prior evidence supporting clinical relevance. This variant has been reported in individuals with Breast-ovarian cancer, familial, susceptibility to, 2. This variant has been reported in individuals with Breast-ovarian cancer, familial, susceptibility to, 2. The variant is present at low frequency in population datasets. Based on the available data, this variant is classified as pathogenic.

Ambry Genetics
Classification: Pathogenic for Hereditary cancer-predisposing syndrome. Last evaluated: 2024-06-26. Review status: criteria provided, single submitter. Criteria: Ambry Variant Classification Scheme 2023. Collection method: clinical testing. Allele origin: germline. Not counted in ClinVar's aggregate classification.
Comment: The c.4964dupA pathogenic mutation, located in coding exon 10 of the BRCA2 gene, results from a duplication of A at nucleotide position 4964, causing a translational frameshift with a predicted alternate stop codon (p.Y1655*). This variant was reported in multiple individuals with features consistent with BRCA2-related hereditary breast and ovarian cancer syndrome (Peixoto A et al. Clin Genet, 2015 Jul;88:41-8; Peixoto A et al. Front Oncol, 2020 Jul;10:1318;Palmero EI et al. Sci Rep, 2018 06;8:9188). This variant is considered to be rare based on population cohorts in the Genome Aggregation Database (gnomAD). In addition to the clinical data presented in the literature, this alteration is expected to result in loss of function by premature protein truncation or nonsense-mediated mRNA decay. As such, this alteration is interpreted as a disease-causing mutation.

Labcorp Genetics (formerly Invitae), Labcorp
Classification: Pathogenic for Hereditary breast ovarian cancer syndrome. Last evaluated: 2024-06-23. Review status: criteria provided, single submitter. Criteria: Invitae Variant Classification Sherloc (09022015). Collection method: clinical testing. Allele origin: germline. Not counted in ClinVar's aggregate classification.
Comment: This sequence change creates a premature translational stop signal (p.Tyr1655*) in the BRCA2 gene. It is expected to result in an absent or disrupted protein product. Loss-of-function variants in BRCA2 are known to be pathogenic (PMID: 20104584). This variant is not present in population databases (gnomAD no frequency). This premature translational stop signal has been observed in individual(s) with breast and ovarian cancer (PMID: 21709188, 27836010, 28724667, 29487695). ClinVar contains an entry for this variant (Variation ID: 91830). For these reasons, this variant has been classified as Pathogenic.

Baylor Genetics
Classification: Pathogenic for Familial cancer of breast. Last evaluated: 2024-01-05. Review status: criteria provided, single submitter. Criteria: ACMG Guidelines, 2015. Collection method: clinical testing. Allele origin: unknown. Not counted in ClinVar's aggregate classification.

Quest Diagnostics Nichols Institute San Juan Capistrano
Classification: Pathogenic. Last evaluated: 2023-04-06. Review status: criteria provided, single submitter. Criteria: Quest Diagnostics criteria. Collection method: clinical testing. Allele origin: unknown. Not counted in ClinVar's aggregate classification.
Comment: This frameshift variant alters the translational reading frame of the BRCA2 mRNA and causes the premature termination of BRCA2 protein synthesis. The frequency of this variant in the general population, 0.0000066 (1/152220 chromosomes), is consistent with pathogenicity. In the published literature, the variant has been reported in individuals and/or families with hereditary breast and/or ovarian cancer (PMID: 24916970 (2015), 29907814 (2018)), and in individuals with high grade serous ovarian cancer (PMID: 32850417 (2020)). In a large breast cancer association study, this variant was reported in an individual with breast cancer (PMID: 33471991 (2021)). Based on the available information, this variant is classified as pathogenic.

Women's Health and Genetics/Laboratory Corporation of America, LabCorp
Classification: Pathogenic for Hereditary breast and ovarian cancer syndrome. Last evaluated: 2019-05-06. Review status: criteria provided, single submitter. Criteria: LabCorp Variant Classification Summary - May 2015. Collection method: clinical testing. Allele origin: germline. Not counted in ClinVar's aggregate classification.
Comment: Variant summary: BRCA2 c.4964dupA (p.Tyr1655X) results in a premature termination codon, predicted to cause a truncation of the encoded protein or absence of the protein due to nonsense mediated decay, which are commonly known mechanisms for disease. Truncations downstream of this position have been classified as pathogenic by our laboratory. The variant was absent in 240078 control chromosomes. c.4964dupA has been reported in the literature in individuals affected with Hereditary Breast and Ovarian Cancer (Peixoto_2014; Palmero_2018). These data indicate that the variant is likely to be associated with disease. To our knowledge, no experimental evidence demonstrating an impact on protein function has been reported. Five clinical diagnostic laboratories and one expert panel (ENIGMA) have submitted clinical-significance assessments for this variant to ClinVar after 2014 without evidence for independent evaluation. All submitters classified the variant as pathogenic. Based on the evidence outlined above, the variant was classified as pathogenic.

GeneDx
Classification: Pathogenic. Last evaluated: 2016-03-30. Review status: criteria provided, single submitter. Criteria: GeneDx Variant Classification (06012015). Collection method: clinical testing. Allele origin: germline. Affected: yes. Not counted in ClinVar's aggregate classification.
Comment: This duplication of one nucleotide is denoted BRCA2 c.4964dupA at the cDNA level and p.Tyr1655Ter (Y1655X) at the protein level. The normal sequence, with the base that is duplicated in braces, is TGTT[A]CACA. The duplication creates a nonsense variant, which changes a Tyrosine to a premature stop codon. This variant is predicted to cause loss of normal protein function through either protein truncation or nonsense-mediated mRNA decay. BRCA2 c.4964dupA, also denoted BRCA2 5192dupA using alternate nomenclature, has been reported in association with hereditary breast /ovarian cancer (Peixoto 2014). This variant is considered pathogenic.

Consortium of Investigators of Modifiers of BRCA1/2 (CIMBA), c/o University of Cambridge
Classification: Pathogenic for Breast-ovarian cancer, familial, susceptibility to, 2. Last evaluated: 2015-10-02. Review status: criteria provided, single submitter. Criteria: CIMBA Mutation Classification guidelines May 2016. Collection method: clinical testing. Allele origin: germline. Not counted in ClinVar's aggregate classification.

Sharing Clinical Reports Project (SCRP)
Classification: Pathogenic for Breast-ovarian cancer, familial 2. Last evaluated: 2009-12-01. Review status: no assertion criteria provided. Collection method: clinical testing. Allele origin: germline. Not counted in ClinVar's aggregate classification.

Literature cited by the submitters: PubMed 24916970 (cited by 3 submitters); PubMed 29907814 (cited by 3 submitters); PubMed 32850417 (cited by Ambry Genetics and Quest Diagnostics Nichols Institute San Juan Capistrano); PubMed 20104584 (cited by Labcorp Genetics (formerly Invitae), Labcorp); PubMed 21709188 (cited by Labcorp Genetics (formerly Invitae), Labcorp); PubMed 27836010 (cited by Labcorp Genetics (formerly Invitae), Labcorp); PubMed 28724667 (cited by Labcorp Genetics (formerly Invitae), Labcorp); PubMed 29487695 (cited by Labcorp Genetics (formerly Invitae), Labcorp); PubMed 33471991 (cited by Quest Diagnostics Nichols Institute San Juan Capistrano); PubMed 29446198 (cited by Quest Diagnostics Nichols Institute San Juan Capistrano); PubMed 31892343 (cited by Quest Diagnostics Nichols Institute San Juan Capistrano); PubMed 26295337 (cited by Quest Diagnostics Nichols Institute San Juan Capistrano).